The following is an entry in ClinVar:

NM_015978.3(TNNI3K):c.1799G>C (p.Gly600Ala)

Genes: TNNI3K (TNNI3 interacting kinase; plus strand), FPGT-TNNI3K (FPGT-TNNI3K readthrough; plus strand). Cytogenetic location: 1p31.1.
Variant type: single nucleotide variant.
Coding change: c.1799G>C on transcript NM_015978.3 (MANE Select); coding-DNA position 1799, G replaced by C.
Protein change: p.Gly600Ala; replaces glycine 600 with alanine.
Molecular consequence: missense variant.
Genome position (GRCh38, 1-based): chr1:74,436,106, G>C. VCF-style: chr1-74436106-G-C. GRCh37 (hg19) VCF-style: chr1-74901790-G-C.
Other names: c.2102G>C, p.Gly701Ala (NM_001112808.3, NM_001199327.2); short protein forms G701A, G600A.
Identifiers: ClinVar variation 1353169 (VCV001353169.8), dbSNP rs2100662470, ClinGen allele CA340788748.

ClinVar aggregate classification (germline): Uncertain significance (1 of 4 stars; one submission).

Submission:

Labcorp Genetics (formerly Invitae), Labcorp
Classification: Uncertain significance. Last evaluated: 2021-05-19. Review status: criteria provided, single submitter. Criteria: Invitae Variant Classification Sherloc (09022015). Collection method: clinical testing. Allele origin: germline.
Comment: In summary, the available evidence is currently insufficient to determine the role of this variant in disease. Therefore, it has been classified as a Variant of Uncertain Significance. Algorithms developed to predict the effect of missense changes on protein structure and function (SIFT, PolyPhen-2, Align-GVGD) all suggest that this variant is likely to be disruptive, but these predictions have not been confirmed by published functional studies and their clinical significance is uncertain. This variant has not been reported in the literature in individuals with TNNI3K-related conditions. This variant is not present in population databases (ExAC no frequency). This sequence change replaces glycine with alanine at codon 600 of the TNNI3K protein (p.Gly600Ala). The glycine residue is highly conserved and there is a small physicochemical difference between glycine and alanine.